The following is an entry in ClinVar:

NM_194279.4(ISCA2):c.71+8G>A

Gene: ISCA2 (iron-sulfur cluster assembly 2; plus strand). Cytogenetic location: 14q24.3.
Variant type: single nucleotide variant.
Coding change: c.71+8G>A on transcript NM_194279.4 (MANE Select); 8 bases into the intron after coding-DNA position 71, G replaced by A.
Molecular consequence: intron variant.
Genome position (GRCh38, 1-based): chr14:74,493,853, G>A. VCF-style: chr14-74493853-G-A. GRCh37 (hg19) VCF-style: chr14-74960556-G-A.
Other names: c.71+8G>A (NM_001272007.2).
Identifiers: ClinVar variation 3349593 (VCV003349593.1).

ClinVar aggregate classification (germline): Likely benign (0 of 4 stars; one submission).

Conditions:
ISCA2-related disorder. Also called: ISCA2-related condition.

Submission:

PreventionGenetics, part of Exact Sciences
Classification: Likely benign for ISCA2-related condition. Last evaluated: 2020-01-07. Review status: no assertion criteria provided. Collection method: clinical testing. Allele origin: germline.
Comment: This variant is classified as likely benign based on ACMG/AMP sequence variant interpretation guidelines (Richards et al. 2015 PMID: 25741868, with internal and published modifications).